The following is an entry in ClinVar:

NM_001008537.3(NEXMIF):c.1161G>C (p.Glu387Asp)

Gene: NEXMIF (neurite extension and migration factor; minus strand). Cytogenetic location: Xq13.3.
Variant type: single nucleotide variant.
Coding change: c.1161G>C on transcript NM_001008537.3 (MANE Select); coding-DNA position 1161, G replaced by C.
Protein change: p.Glu387Asp; replaces glutamic acid 387 with aspartic acid.
Molecular consequence: missense variant.
Genome position (GRCh38, 1-based): chrX:74,743,396, C>G on the plus strand (G>C on the coding strand, the complement: NEXMIF is on the minus strand). VCF-style: chrX-74743396-C-G. GRCh37 (hg19) VCF-style: chrX-73963231-C-G.
Other names: short protein forms E387D.
Identifiers: ClinVar variation 772895 (VCV000772895.14), dbSNP rs762881063, ClinGen allele CA10455145.

ClinVar aggregate classification (germline): Benign/Likely benign. Review status: criteria provided, multiple submitters, no conflicts (2 of 4 stars). 3 submissions from 3 submitters: Benign (1); Likely benign (2). Last evaluated 2026-01-15.

Allele frequency attached by ClinVar (database versions not stated): TOPMed 0.00003; gnomAD 0.00003; ExAC 0.00002.
gnomAD v4.1: 16 of 1,209,489 alleles (0.0013%); highest among the groups gnomAD compares: Admixed American, 0.033%; no homozygotes.

Submissions (3):

Labcorp Genetics (formerly Invitae), Labcorp
Classification: Benign. Last evaluated: 2026-01-15. Review status: criteria provided, single submitter. Criteria: Invitae Variant Classification Sherloc (09022015). Collection method: clinical testing. Allele origin: germline.

Ambry Genetics
Classification: Likely benign. Last evaluated: 2024-11-08. Review status: criteria provided, single submitter. Criteria: Ambry Variant Classification Scheme 2023. Collection method: clinical testing. Allele origin: germline.

Women's Health and Genetics/Laboratory Corporation of America, LabCorp
Classification: Likely benign. Last evaluated: 2024-03-12. Review status: criteria provided, single submitter. Criteria: LabCorp Variant Classification Summary - May 2015. Collection method: clinical testing. Allele origin: germline.
Comment: Variant summary: NEXMIF c.1161G>C (p.Glu387Asp) results in a conservative amino acid change located in the Domain of unknown function DUF4683 (IPR032757) of the encoded protein sequence. Five of five in-silico tools predict a benign effect of the variant on protein function. The variant allele was found at a frequency of 6.8e-05 in 204652 control chromosomes, predominantly at a frequency of 0.00046 within the Latino subpopulation in the gnomAD database, including 4 hemizygous males. This suggests the variant is likely a benign polymorphism. To our knowledge, no occurrence of c.1161G>C in individuals affected with Intellectual Developmental Disorder, X-Linked 98 and no experimental evidence demonstrating its impact on protein function have been reported. ClinVar contains an entry for this variant (Variation ID: 772895). Based on the evidence outlined above, the variant was classified as likely benign.